The following is an entry in ClinVar:

ClinVar aggregate classification (germline): Pathogenic. Review status: criteria provided, multiple submitters, no conflicts (2 of 4 stars). 10 submissions from 9 submitters: Pathogenic (8). 2 of the submissions do not count toward it. Last evaluated 2026-08-12.

Conditions:
PITX3-related disorder. Also called: PITX3-related condition.
Cataract 11, posterior polar. Identifiers: MedGen C3807150.
Cataract 11 multiple types. Also called: Cataract 11. Identifiers: Orphanet 91492, MedGen C1864567, MONDO:0012527, OMIM 610623.
Anterior segment dysgenesis 1 (ASGD1). Identifiers: MedGen C4551992, MONDO:0007138, OMIM 107250.
ANTERIOR SEGMENT DYSGENESIS 1, MULTIPLE SUBTYPES. Identifiers: MedGen C4310917.

Submissions (10):

PreventionGenetics, part of Exact Sciences
Classification: Pathogenic for PITX3-related condition. Last evaluated: 2026-08-12. Review status: criteria provided, single submitter. Criteria: ACMG Guidelines, 2015. Collection method: clinical testing. Allele origin: germline.
Comment: The PITX3 c.640_656dup17 variant is predicted to result in a frameshift and premature protein termination (p.Gly220Profs*95). This variant has been reported as causative for autosomal dominant congenital cataract and anterior segment malformations in multiple individuals (Verdin et al. 2014. PubMed ID: 24555714; Semina et al. 1998. PubMed ID: 9620774; Sakazume et al. 2007. PubMed ID: 17888164, reported as G219fs; Zhang et al. 2018. PubMed ID: 30078984). This variant has not been documented in a large population database, indicating this variant is rare. This variant has been classified as pathogenic by multiple independent submitters to the ClinVar database (Variation ID: 468353). Given all the evidence, we interpret c.640_656dup (p.Gly220Profs*95) as pathogenic.

Medical and Scientific Branch, Hong Kong Genome Institute
Classification: Pathogenic for Cataract 11 multiple types. Last evaluated: 2025-12-11. Review status: criteria provided, single submitter. Criteria: ACMG Guidelines, 2015. Collection method: clinical testing. Allele origin: germline. Affected: yes.

GeneDx
Classification: Pathogenic. Last evaluated: 2025-05-22. Review status: criteria provided, single submitter. Criteria: GeneDx Variant Classification Process June 2021. Collection method: clinical testing. Allele origin: germline. Affected: yes.
Comment: Published functional studies demonstrate a damaging effect (PMID: 17888164); Frameshift variant predicted to result in abnormal protein length as the last 83 amino acids are replaced with 94 different amino acids, and other similar variants have been reported in HGMD; Not observed at significant frequency in large population cohorts (gnomAD); This variant is associated with the following publications: (PMID: 15286169, 16636655, 16272057, 15665340, 29405783, 24555714, 9620774, 30078984, 33304895, 34101287, 33726816, 37139083, 36153513, 35170016, 17888164)

Labcorp Genetics (formerly Invitae), Labcorp
Classification: Pathogenic. Last evaluated: 2025-05-11. Review status: criteria provided, single submitter. Criteria: Invitae Variant Classification Sherloc (09022015). Collection method: clinical testing. Allele origin: germline.
Comment: This sequence change is expected to alter the c-terminus of the PITX3 protein (p.Gly220Profs*95). While this is not anticipated to result in nonsense mediated decay, it is expected to disrupt the last 83 amino acid(s) of the PITX3 protein and extend the protein by 11 additional amino acid residues. This variant is not present in population databases (gnomAD no frequency). This frameshift has been observed in individuals with congenital cataracts (PMID: 9620774, 15286169, 24555714, 29405783). It has also been observed to segregate with disease in related individuals. This variant is also known as 657ins17. ClinVar contains an entry for this variant (Variation ID: 468353). Algorithms developed to predict the effect of variants on gene product structure and function are not available or were not evaluated for this variant. Experimental studies have shown that this frameshift affects PITX3 function (PMID: 17888164, 24555714). For these reasons, this variant has been classified as Pathogenic.

3billion
Classification: Pathogenic for Anterior segment dysgenesis 1. Last evaluated: 2024-12-12. Review status: criteria provided, single submitter. Criteria: ACMG Guidelines, 2015. Collection method: clinical testing. Allele origin: germline. Affected: yes.
Comment: The variant is observed at an extremely low frequency in the gnomAD v4.1.0 dataset (total allele frequency: <0.001%). Predicted Consequence/Location: Frameshift: predicted to result in a loss or disruption of normal protein function through protein truncation. The predicted truncated protein may be shortened by more than 10%. The variant has been reported at least twice as pathogenic with clinical assertions and evidence for the classification (ClinVar ID: VCV000468353 /PMID: 9620774). Therefore, this variant is classified as Pathogenic according to the recommendation of ACMG/AMP guideline.

Blueprint Genetics
Classification: Pathogenic for PITX3-related disorders. Last evaluated: 2024-08-19. Review status: criteria provided, single submitter. Criteria: ACMG Guidelines, 2015. Collection method: clinical testing. Allele origin: germline. Affected: yes. Observed: 5 variant alleles.

Baylor Genetics
Classification: Pathogenic for Cataract 11 multiple types. Last evaluated: 2023-06-15. Review status: criteria provided, single submitter. Criteria: ACMG Guidelines, 2015. Collection method: clinical testing. Allele origin: unknown.

CeGaT Center for Human Genetics Tuebingen
Classification: Pathogenic. Last evaluated: 2023-05-01. Review status: criteria provided, single submitter. Criteria: CeGaT Center For Human Genetics Tuebingen Variant Classification Criteria Version 2. Collection method: clinical testing. Allele origin: germline. Affected: yes. Observed: 2 variant alleles.
Comment: PITX3: PP1:Strong, PM2, PVS1:Moderate, PP4, PS3:Supporting

OMIM
Classification: Pathogenic for ANTERIOR SEGMENT DYSGENESIS 1, MULTIPLE SUBTYPES. Last evaluated: 2008-01-01. Review status: no assertion criteria provided. Collection method: literature only. Allele origin: germline. Not counted in ClinVar's aggregate classification.

OMIM
Classification: Pathogenic for CATARACT 11, POSTERIOR POLAR. Last evaluated: 2008-01-01. Review status: no assertion criteria provided. Collection method: literature only. Allele origin: germline. Not counted in ClinVar's aggregate classification.

Literature cited by the submitters: PubMed 9620774 (cited by 3 submitters); PubMed 15286169 (cited by Labcorp Genetics (formerly Invitae), Labcorp and OMIM); PubMed 24555714 (cited by Labcorp Genetics (formerly Invitae), Labcorp); PubMed 29405783 (cited by Labcorp Genetics (formerly Invitae), Labcorp); PubMed 17888164 (cited by Labcorp Genetics (formerly Invitae), Labcorp); PubMed 6801987 (cited by OMIM); PubMed 10361984 (cited by OMIM); PubMed 18989383 (cited by OMIM).

NM_005029.4(PITX3):c.640_656dup (p.Gly220fs)

Genes: GBF1 (golgi brefeldin A resistant guanine nucleotide exchange factor 1; plus strand), PITX3 (paired like homeodomain 3; minus strand). Cytogenetic location: 10q24.32.
Variant type: Duplication.
Coding change: c.640_656dup on transcript NM_005029.4 (MANE Select); coding-DNA positions 640 to 656, 17 bases duplicated (GCCCTGCAGGGCCTGGG).
Protein change: p.Gly220fs; shifts the reading frame from glycine 220.
Molecular consequence: frameshift variant.
Genome position (GRCh38, 1-based): chr10:102,230,767-102,230,783, CCCAGGCCCTGCAGGGC duplicated on the plus strand (GCCCTGCAGGGCCTGGG on the coding strand, the reverse complement: PITX3 is on the minus strand); duplicating any 17 consecutive bases within chr10:102,230,767-102,230,794 gives the same sequence; the c. name uses the placement nearest the transcript's 3' end. VCF-style (leftmost placement, unchanged base first): chr10-102230766-G-GCCCAGGCCCTGCAGGGC. GRCh37 (hg19) VCF-style: chr10-103990523-G-GCCCAGGCCCTGCAGGGC.
Other names: short protein forms G220fs.
Identifiers: ClinVar variation 468353 (VCV000468353.42), dbSNP rs1411557416, ClinGen allele CA658658008.